The following is an entry in ClinVar:

ClinVar aggregate classification (germline): Pathogenic. Review status: criteria provided, multiple submitters, no conflicts (2 of 4 stars). 2 submissions from 2 submitters: Pathogenic (2). Last evaluated 2026-07-06.

Conditions:
Hereditary cancer-predisposing syndrome. Also called: Neoplastic Syndromes, Hereditary; Hereditary neoplastic syndrome; Hereditary Cancer Syndrome; Tumor predisposition. Identifiers: Orphanet 140162, MedGen C0027672, MeSH D009386, MONDO:0015356.
Familial cancer of breast. Also called: hereditary breast carcinoma; Hereditary breast cancer; BREAST CANCER, FAMILIAL. Identifiers: Orphanet 227535, MedGen C0346153, MONDO:0016419, OMIM 114480. Disease mechanism: loss of function.

Submissions (2):

Ambry Genetics
Classification: Pathogenic for Hereditary cancer-predisposing syndrome. Last evaluated: 2026-07-06. Review status: criteria provided, single submitter. Criteria: Ambry Variant Classification Scheme 2023. Collection method: clinical testing. Allele origin: germline.
Comment: The c.1323delC pathogenic mutation, located in coding exon 11 of the CHEK2 gene, results from a deletion of one nucleotide at nucleotide position 1323, causing a translational frameshift with a predicted alternate stop codon (p.S442Vfs*27). This variant is considered to be rare based on population cohorts in the Genome Aggregation Database (gnomAD). This alteration is expected to result in loss of function by premature protein truncation or nonsense-mediated mRNA decay. As such, this alteration is interpreted as a disease-causing mutation.

Myriad Genetics, Inc.
Classification: Pathogenic for Familial cancer of breast. Last evaluated: 2023-06-28. Review status: criteria provided, single submitter. Criteria: Myriad Autosomal Dominant, Autosomal Recessive and X-Linked Classification Criteria (2023). Collection method: clinical testing. Allele origin: unknown.
Comment: This variant is considered pathogenic. This variant creates a frameshift predicted to result in premature protein truncation.

NM_007194.4(CHEK2):c.1323del (p.Ser442fs)

Gene: CHEK2 (checkpoint kinase 2; minus strand). Cytogenetic location: 22q12.1.
Variant type: Deletion.
Coding change: c.1323del on transcript NM_007194.4 (MANE Select); coding-DNA position 1323, one base deleted (C; older notation c.1323delC).
Protein change: p.Ser442fs; shifts the reading frame from serine 442.
Molecular consequence: frameshift variant.
Genome position (GRCh38, 1-based): chr22:28,695,179, G deleted on the plus strand (C on the coding strand, the reverse complement: CHEK2 is on the minus strand); the first of 2 consecutive G bases (chr22:28,695,179-28,695,180); deleting either gives the same sequence. VCF-style (leftmost placement, unchanged base first): chr22-28695178-TG-T. GRCh37 (hg19) VCF-style: chr22-29091166-TG-T.
Other names: c.1451delC, p.Ser485Valfs (NM_001005735.3); c.659delC, p.Ser221Valfs (NM_001257387.3); c.1121delC, p.Ser375Valfs (NM_001349956.3); c.1235delC, p.Ser413Valfs (NM_145862.3); short protein forms S485fs, S413fs, S442fs, S221fs, S375fs.
Identifiers: ClinVar variation 479554 (VCV000479554.8), dbSNP rs1555913464, ClinGen allele CA658656821.
Genomic context (GRCh38, chr22:28,695,178, plus strand): 5'-TATTCATACCTTTCTCTGAGACTTCTGCCCAGACTTCAGGAATGAAGTTGTATTTTCCAC[TG>T]GTGATCTGATCCTTCAGTGACACTTGAGTCCTATGCTCAGAGAAAGGTGGATACCCACTA-3'